The following is an entry in ClinVar:

ClinVar aggregate classification (germline): Uncertain significance. Review status: criteria provided, multiple submitters, no conflicts (2 of 4 stars). 2 submissions from 2 submitters: Uncertain significance (2). Last evaluated 2025-05-04.

Conditions:
HERC1-related disorder. Also called: HERC1-related condition.

gnomAD v4.1: 13 of 1,613,570 alleles (0.00081%); highest among the groups gnomAD compares: South Asian, 0.012%; no homozygotes.

Submissions (2):

PreventionGenetics, part of Exact Sciences
Classification: Uncertain significance for HERC1-related condition. Last evaluated: 2025-05-04. Review status: criteria provided, single submitter. Criteria: ACMG Guidelines, 2015. Collection method: clinical testing. Allele origin: germline.
Comment: The HERC1 c.13717G>A variant is predicted to result in the amino acid substitution p.Asp4573Asn. To our knowledge, this variant has not been reported in the literature. This variant is reported in 0.016% of alleles in individuals of South Asian descent in gnomAD. At this time, the clinical significance of this variant is uncertain due to the absence of conclusive functional and genetic evidence.

GeneDx
Classification: Uncertain significance. Last evaluated: 2024-10-24. Review status: criteria provided, single submitter. Criteria: GeneDx Variant Classification Process June 2021. Collection method: clinical testing. Allele origin: germline. Affected: yes.
Comment: In silico analysis indicates that this missense variant does not alter protein structure/function; Has not been previously published as pathogenic or benign to our knowledge

NM_003922.4(HERC1):c.13717G>A (p.Asp4573Asn)

Gene: HERC1 (HECT and RLD domain containing E3 ubiquitin protein ligase family member 1; minus strand). Cytogenetic location: 15q22.31.
Variant type: single nucleotide variant.
Coding change: c.13717G>A on transcript NM_003922.4 (MANE Select); coding-DNA position 13717, G replaced by A.
Protein change: p.Asp4573Asn; replaces aspartic acid 4573 with asparagine.
Molecular consequence: missense variant.
Genome position (GRCh38, 1-based): chr15:63,616,654, C>T on the plus strand (G>A on the coding strand, the complement: HERC1 is on the minus strand). VCF-style: chr15-63616654-C-T. GRCh37 (hg19) VCF-style: chr15-63908853-C-T.
Other names: short protein forms D4573N.
Identifiers: ClinVar variation 3893465 (VCV003893465.2).